The following is an entry in ClinVar:

ClinVar aggregate classification (germline): Uncertain significance. Review status: criteria provided, multiple submitters, no conflicts (2 of 4 stars). 2 submissions from 2 submitters: Uncertain significance (2). Last evaluated 2024-10-06.

Conditions:
Inborn genetic diseases. Identifiers: MedGen C0950123, MeSH D030342.
Early-infantile DEE. Also called: Early infantile epileptic encephalopathy; Ohtahara syndrome; Early infantile epileptic encephalopathy with suppression bursts. Identifiers: Orphanet 1934, MedGen C0393706, MONDO:0800491.

Allele frequency attached by ClinVar (database versions not stated): gnomAD 0.00002; TOPMed 0.00001; gnomAD exomes 0.00001.
gnomAD v4.1: 17 of 1,513,482 alleles (0.0011%); highest among the groups gnomAD compares: Admixed American, 0.0043%; no homozygotes.

Submissions (2):

Ambry Genetics
Classification: Uncertain significance for Inborn genetic diseases. Last evaluated: 2024-10-06. Review status: criteria provided, single submitter. Criteria: Ambry Variant Classification Scheme 2023. Collection method: clinical testing. Allele origin: germline.

Labcorp Genetics (formerly Invitae), Labcorp
Classification: Uncertain significance for Early-infantile DEE. Last evaluated: 2023-07-14. Review status: criteria provided, single submitter. Criteria: Invitae Variant Classification Sherloc (09022015). Collection method: clinical testing. Allele origin: germline.
Comment: In summary, the available evidence is currently insufficient to determine the role of this variant in disease. Therefore, it has been classified as a Variant of Uncertain Significance. Advanced modeling of protein sequence and biophysical properties (such as structural, functional, and spatial information, amino acid conservation, physicochemical variation, residue mobility, and thermodynamic stability) performed at Invitae indicates that this missense variant is not expected to disrupt HCN1 protein function. This variant has not been reported in the literature in individuals affected with HCN1-related conditions. The frequency data for this variant in the population databases is considered unreliable, as metrics indicate poor data quality at this position in the gnomAD database. This sequence change replaces glycine, which is neutral and non-polar, with serine, which is neutral and polar, at codon 67 of the HCN1 protein (p.Gly67Ser).

NM_021072.4(HCN1):c.199G>A (p.Gly67Ser)

Gene: HCN1 (hyperpolarization activated cyclic nucleotide gated potassium channel 1; minus strand). Cytogenetic location: 5p12.
Variant type: single nucleotide variant.
Coding change: c.199G>A on transcript NM_021072.4 (MANE Select); coding-DNA position 199, G replaced by A.
Protein change: p.Gly67Ser; replaces glycine 67 with serine.
Molecular consequence: missense variant.
Genome position (GRCh38, 1-based): chr5:45,695,895, C>T on the plus strand (G>A on the coding strand, the complement: HCN1 is on the minus strand). VCF-style: chr5-45695895-C-T. GRCh37 (hg19) VCF-style: chr5-45695997-C-T.
Other names: c.199G>A (NM_021072.3); short protein forms G67S.
Identifiers: ClinVar variation 2913131 (VCV002913131.4), dbSNP rs1427664939, ClinGen allele CA359706539.